The following is an entry in ClinVar:

ClinVar aggregate classification (germline): Uncertain significance (1 of 4 stars; one submission).

Submission:

Ambry Genetics
Classification: Uncertain significance. Last evaluated: 2022-11-25. Review status: criteria provided, single submitter. Criteria: Ambry Variant Classification Scheme 2023. Collection method: clinical testing. Allele origin: germline.
Comment: The p.P174H variant (also known as c.521C>A), located in coding exon 7 of the RAD54L gene, results from a C to A substitution at nucleotide position 521. The proline at codon 174 is replaced by histidine, an amino acid with similar properties. This amino acid position is conserved. In addition, the in silico prediction for this alteration is inconclusive. Since supporting evidence is limited at this time, the clinical significance of this alteration remains unclear.

NM_003579.4(RAD54L):c.521C>A (p.Pro174His)

Gene: RAD54L (RAD54 like; plus strand). Cytogenetic location: 1p34.1.
Variant type: single nucleotide variant.
Coding change: c.521C>A on transcript NM_003579.4 (MANE Select); coding-DNA position 521, C replaced by A.
Protein change: p.Pro174His; replaces proline 174 with histidine.
Molecular consequence: missense variant. On other transcripts: 5 prime UTR variant (1).
Genome position (GRCh38, 1-based): chr1:46,260,770, C>A. VCF-style: chr1-46260770-C-A. GRCh37 (hg19) VCF-style: chr1-46726442-C-A.
Other names: c.521C>A, p.Pro174His (NM_001142548.2); c.-20C>A (NM_001370766.1); short protein forms P174H.
Identifiers: ClinVar variation 2467074 (VCV002467074.2), dbSNP rs2148288136, ClinGen allele CA340185715.
Genomic context (GRCh38, chr1:46,260,770, plus strand): 5'-AGGCTGTTATTCTCTAGGGAGTGAAATTCCTGTGGGAGTGTGTCACCAGTCGGCGCATCC[C>A]TGGCAGCCATGGCTGCATCATGGCTGATGAGATGGGCCTAGGAAAGACGCTGCAGTGCAT-3'
Protein context (NP_003570.2, residues 164-184): LWECVTSRRI[Pro174His]GSHGCIMADE